The following is an entry in ClinVar:

ClinVar aggregate classification (germline): Uncertain significance (1 of 4 stars; one submission).

Conditions:
Inborn genetic diseases. Identifiers: MedGen C0950123, MeSH D030342.

gnomAD v4.1: 1 of 1,613,724 alleles (0.000062%); highest among the groups gnomAD compares: Non-Finnish European, 0.000085%; no homozygotes.

Submission:

Ambry Genetics
Classification: Uncertain significance for Inborn genetic diseases. Last evaluated: 2024-09-12. Review status: criteria provided, single submitter. Criteria: Ambry Variant Classification Scheme 2023. Collection method: clinical testing. Allele origin: germline.
Comment: The p.K1240N variant (also known as c.3720A>C), located in coding exon 27 of the LRRK2 gene, results from an A to C substitution at nucleotide position 3720. The lysine at codon 1240 is replaced by asparagine, an amino acid with similar properties. This amino acid position is conserved. In addition, this alteration is predicted to be tolerated by in silico analysis. Based on the available evidence, the clinical significance of this variant remains unclear.

NM_198578.4(LRRK2):c.3720A>C (p.Lys1240Asn)

Gene: LRRK2 (leucine rich repeat kinase 2; plus strand). Cytogenetic location: 12q12.
Variant type: single nucleotide variant.
Coding change: c.3720A>C on transcript NM_198578.4 (MANE Select); coding-DNA position 3720, A replaced by C.
Protein change: p.Lys1240Asn; replaces lysine 1240 with asparagine.
Molecular consequence: missense variant.
Genome position (GRCh38, 1-based): chr12:40,304,077, A>C. VCF-style: chr12-40304077-A-C. GRCh37 (hg19) VCF-style: chr12-40697879-A-C.
Other names: short protein forms K1240N.
Identifiers: ClinVar variation 3540674 (VCV003540674.1).